The following is an entry in ClinVar:

NM_001759.4(CCND2):c.441G>A (p.Leu147=)

Gene: CCND2 (cyclin D2; plus strand). Cytogenetic location: 12p13.32.
Variant type: single nucleotide variant.
Coding change: c.441G>A on transcript NM_001759.4 (MANE Select); coding-DNA position 441, G replaced by A.
Protein change: p.Leu147=; no amino-acid change (leucine 147 retained).
Molecular consequence: synonymous variant.
Genome position (GRCh38, 1-based): chr12:4,278,789, G>A. VCF-style: chr12-4278789-G-A. GRCh37 (hg19) VCF-style: chr12-4387955-G-A.
Identifiers: ClinVar variation 3027165 (VCV003027165.22), dbSNP rs2497491292, ClinGen allele CA478054632.

ClinVar aggregate classification (germline): Uncertain significance (1 of 4 stars; one submission).

Submission:

CeGaT Center for Human Genetics Tuebingen
Classification: Uncertain significance. Last evaluated: 2024-02-01. Review status: criteria provided, single submitter. Criteria: CeGaT Center For Human Genetics Tuebingen Variant Classification Criteria Version 2. Collection method: clinical testing. Allele origin: germline. Affected: yes. Observed: 1 variant allele.
Comment: CCND2: PM2:Supporting, BP4